The following is an entry in ClinVar:

NM_024105.4(ALG12):c.808C>T (p.Arg270Cys)

Gene: ALG12 (ALG12 alpha-1,6-mannosyltransferase; minus strand). Cytogenetic location: 22q13.33.
Variant type: single nucleotide variant.
Coding change: c.808C>T on transcript NM_024105.4 (MANE Select); coding-DNA position 808, C replaced by T.
Protein change: p.Arg270Cys; replaces arginine 270 with cysteine.
Molecular consequence: missense variant.
Genome position (GRCh38, 1-based): chr22:49,907,905, G>A on the plus strand (C>T on the coding strand, the complement: ALG12 is on the minus strand). VCF-style: chr22-49907905-G-A. GRCh37 (hg19) VCF-style: chr22-50301553-G-A.
Other names: short protein forms R270C.
Identifiers: ClinVar variation 2178685 (VCV002178685.3), dbSNP rs748563631, ClinGen allele CA10300440.

ClinVar aggregate classification (germline): Uncertain significance. Review status: criteria provided, multiple submitters, no conflicts (2 of 4 stars). 2 submissions from 2 submitters: Uncertain significance (2). Last evaluated 2025-08-29.

Conditions:
Inborn genetic diseases. Identifiers: MedGen C0950123, MeSH D030342.
ALG12-congenital disorder of glycosylation (CDG1G). Also called: ALG12-CDG; Congenital disorder of glycosylation, type Ig; CDG Ig. Identifiers: Orphanet 79324, MedGen C2931001, MONDO:0011783, OMIM 607143.

Allele frequency attached by ClinVar (database versions not stated): ExAC 0.00003.
gnomAD v4.1: 24 of 1,613,440 alleles (0.0015%); highest among the groups gnomAD compares: East Asian, 0.0067%; no homozygotes.

Submissions (2):

Ambry Genetics
Classification: Uncertain significance for Inborn genetic diseases. Last evaluated: 2025-08-29. Review status: criteria provided, single submitter. Criteria: Ambry Variant Classification Scheme 2023. Collection method: clinical testing. Allele origin: germline.

Labcorp Genetics (formerly Invitae), Labcorp
Classification: Uncertain significance for ALG12-congenital disorder of glycosylation. Last evaluated: 2021-12-25. Review status: criteria provided, single submitter. Criteria: Invitae Variant Classification Sherloc (09022015). Collection method: clinical testing. Allele origin: germline.
Comment: In summary, the available evidence is currently insufficient to determine the role of this variant in disease. Therefore, it has been classified as a Variant of Uncertain Significance. Algorithms developed to predict the effect of missense changes on protein structure and function are either unavailable or do not agree on the potential impact of this missense change (SIFT: "Deleterious"; PolyPhen-2: "Probably Damaging"; Align-GVGD: "Class C0"). This variant has not been reported in the literature in individuals affected with ALG12-related conditions. This variant is present in population databases (rs748563631, gnomAD 0.01%). This sequence change replaces arginine, which is basic and polar, with cysteine, which is neutral and slightly polar, at codon 270 of the ALG12 protein (p.Arg270Cys).